The following is an entry in ClinVar:

NM_000553.6(WRN):c.3211C>A (p.Pro1071Thr)

Gene: WRN (WRN RecQ like helicase; plus strand). Cytogenetic location: 8p12.
Variant type: single nucleotide variant.
Coding change: c.3211C>A on transcript NM_000553.6 (MANE Select); coding-DNA position 3211, C replaced by A.
Protein change: p.Pro1071Thr; replaces proline 1071 with threonine.
Molecular consequence: missense variant.
Genome position (GRCh38, 1-based): chr8:31,141,753, C>A. VCF-style: chr8-31141753-C-A. GRCh37 (hg19) VCF-style: chr8-30999269-C-A.
Other names: short protein forms P1071T.
Identifiers: ClinVar variation 1518390 (VCV001518390.6), dbSNP rs61761623, ClinGen allele CA370923146.
Genomic context (GRCh38, chr8:31,141,753, plus strand): 5'-CTTCATAAAGCTAATACAGAATCTCAGAGCCTCATCCTTCAAGCTAATGAAGAATTGTGT[C>A]CAAAGAAGTTGCTTCTGCCTAGGTTCATTTTTCAGTTTTTTTCTTGTAACTTCTGCATTT-3'
Protein context (NP_000544.2, residues 1061-1081): LILQANEELC[Pro1071Thr]KKLLLPSSKT

ClinVar aggregate classification (germline): Uncertain significance (1 of 4 stars; one submission).

Conditions:
Werner syndrome (WRN). Identifiers: Orphanet 902, MedGen C0043119, MONDO:0010196, OMIM 277700.

Submission:

Labcorp Genetics (formerly Invitae), Labcorp
Classification: Uncertain significance for Werner syndrome. Last evaluated: 2024-03-11. Review status: criteria provided, single submitter. Criteria: Invitae Variant Classification Sherloc (09022015). Collection method: clinical testing. Allele origin: germline.
Comment: This sequence change replaces proline, which is neutral and non-polar, with threonine, which is neutral and polar, at codon 1071 of the WRN protein (p.Pro1071Thr). This variant is not present in population databases (gnomAD no frequency). This variant has not been reported in the literature in individuals affected with WRN-related conditions. ClinVar contains an entry for this variant (Variation ID: 1518390). An algorithm developed to predict the effect of missense changes on protein structure and function (PolyPhen-2) suggests that this variant is likely to be disruptive. In summary, the available evidence is currently insufficient to determine the role of this variant in disease. Therefore, it has been classified as a Variant of Uncertain Significance.